The following is an entry in ClinVar:

ClinVar aggregate classification (germline): Benign/Likely benign. Review status: criteria provided, multiple submitters, no conflicts (2 of 4 stars). 3 submissions from 3 submitters: Benign (1); Likely benign (1). 1 of the submissions does not count toward it. Last evaluated 2025-09-04.

Conditions:
Cerebral cavernous malformation 2. Also called: Familial Cerebral Cavernous Malformation 2. Identifiers: Orphanet 221061, MedGen C1864041, MONDO:0011304, OMIM 603284.
CCM2-related disorder. Also called: CCM2-related condition.
Inborn genetic diseases. Identifiers: MedGen C0950123, MeSH D030342.

Allele frequency attached by ClinVar (database versions not stated): gnomAD 0.00001; TOPMed 0.00002; ExAC 0.00009.
gnomAD v4.1: 44 of 1,613,598 alleles (0.0027%); highest among the groups gnomAD compares: South Asian, 0.035%; 2 homozygotes.

Submissions (3):

Labcorp Genetics (formerly Invitae), Labcorp
Classification: Benign for Cerebral cavernous malformation 2. Last evaluated: 2025-09-04. Review status: criteria provided, single submitter. Criteria: Invitae Variant Classification Sherloc (09022015). Collection method: clinical testing. Allele origin: germline.

Ambry Genetics
Classification: Likely benign for Inborn genetic diseases. Last evaluated: 2019-10-23. Review status: criteria provided, single submitter. Criteria: Ambry Variant Classification Scheme 2023. Collection method: clinical testing. Allele origin: germline.

PreventionGenetics, part of Exact Sciences
Classification: Likely benign for CCM2-related condition. Last evaluated: 2022-02-07. Review status: no assertion criteria provided. Collection method: clinical testing. Allele origin: germline. Not counted in ClinVar's aggregate classification.
Comment: This variant is classified as likely benign based on ACMG/AMP sequence variant interpretation guidelines (Richards et al. 2015 PMID: 25741868, with internal and published modifications).

NM_031443.4(CCM2):c.327C>T (p.His109=)

Gene: CCM2 (CCM2 scaffold protein; plus strand). Cytogenetic location: 7p13.
Variant type: single nucleotide variant.
Coding change: c.327C>T on transcript NM_031443.4 (MANE Select); coding-DNA position 327, C replaced by T.
Protein change: p.His109=; no amino-acid change (histidine 109 retained).
Molecular consequence: synonymous variant. On other transcripts: non-coding transcript variant (1).
Genome position (GRCh38, 1-based): chr7:45,064,501, C>T. VCF-style: chr7-45064501-C-T. GRCh37 (hg19) VCF-style: chr7-45104100-C-T.
Other names: c.390C>T, p.His130= (NM_001029835.2); c.153C>T, p.His51= (NM_001167934.2, NM_001363459.2); c.327C>T, p.His109= (NM_001167935.2, NM_001363458.2).
Identifiers: ClinVar variation 1729709 (VCV001729709.5), dbSNP rs201879802, ClinGen allele CA4246951.